The following is an entry in ClinVar:

NM_003640.5(ELP1):c.3363G>C (p.Met1121Ile)

Gene: ELP1 (elongator acetyltransferase complex subunit 1; minus strand). Cytogenetic location: 9q31.3.
Variant type: single nucleotide variant.
Coding change: c.3363G>C on transcript NM_003640.5 (MANE Select); coding-DNA position 3363, G replaced by C.
Protein change: p.Met1121Ile; replaces methionine 1121 with isoleucine.
Molecular consequence: missense variant.
Genome position (GRCh38, 1-based): chr9:108,880,149, C>G on the plus strand (G>C on the coding strand, the complement: ELP1 is on the minus strand). VCF-style: chr9-108880149-C-G. GRCh37 (hg19) VCF-style: chr9-111642429-C-G.
Other names: c.3021G>C, p.Met1007Ile (NM_001318360.2); c.2316G>C, p.Met772Ile (NM_001330749.2); short protein forms M1007I, M772I, M1121I.
Identifiers: ClinVar variation 1426026 (VCV001426026.8), dbSNP rs910335280, ClinGen allele CA197520890.

ClinVar aggregate classification (germline): Uncertain significance (1 of 4 stars; one submission).

Allele frequency attached by ClinVar (database versions not stated): TOPMed below 0.00001.

Submission:

Labcorp Genetics (formerly Invitae), Labcorp
Classification: Uncertain significance. Last evaluated: 2021-05-05. Review status: criteria provided, single submitter. Criteria: Invitae Variant Classification Sherloc (09022015). Collection method: clinical testing. Allele origin: germline.
Comment: In summary, the available evidence is currently insufficient to determine the role of this variant in disease. Therefore, it has been classified as a Variant of Uncertain Significance. This sequence change replaces methionine with isoleucine at codon 1121 of the ELP1 protein (p.Met1121Ile). The methionine residue is weakly conserved and there is a small physicochemical difference between methionine and isoleucine. This variant is not present in population databases (ExAC no frequency). This variant has not been reported in the literature in individuals with ELP1-related conditions. Algorithms developed to predict the effect of missense changes on protein structure and function (SIFT, PolyPhen-2, Align-GVGD) all suggest that this variant is likely to be tolerated, but these predictions have not been confirmed by published functional studies and their clinical significance is uncertain.